The following is an entry in ClinVar:

ClinVar aggregate classification (germline): Uncertain significance (1 of 4 stars; one submission).

Allele frequency attached by ClinVar (database versions not stated): TOPMed below 0.00001; ExAC 0.00001; gnomAD 0.00001; gnomAD exomes 0.00001.
gnomAD v4.1: 4 of 1,614,128 alleles (0.00025%); highest among the groups gnomAD compares: African/African-American, 0.004%; no homozygotes.

Submission:

Labcorp Genetics (formerly Invitae), Labcorp
Classification: Uncertain significance. Last evaluated: 2024-09-22. Review status: criteria provided, single submitter. Criteria: Invitae Variant Classification Sherloc (09022015). Collection method: clinical testing. Allele origin: germline.
Comment: This sequence change replaces proline, which is neutral and non-polar, with leucine, which is neutral and non-polar, at codon 505 of the C1S protein (p.Pro505Leu). This variant is present in population databases (rs782317715, gnomAD 0.006%). This variant has not been reported in the literature in individuals affected with C1S-related conditions. Invitae Evidence Modeling of protein sequence and biophysical properties (such as structural, functional, and spatial information, amino acid conservation, physicochemical variation, residue mobility, and thermodynamic stability) indicates that this missense variant is not expected to disrupt C1S protein function with a negative predictive value of 80%. In summary, the available evidence is currently insufficient to determine the role of this variant in disease. Therefore, it has been classified as a Variant of Uncertain Significance.

NM_001734.5(C1S):c.1514C>T (p.Pro505Leu)

Gene: C1S (complement C1s; plus strand). Cytogenetic location: 12p13.31.
Variant type: single nucleotide variant.
Coding change: c.1514C>T on transcript NM_001734.5 (MANE Select); coding-DNA position 1514, C replaced by T.
Protein change: p.Pro505Leu; replaces proline 505 with leucine.
Molecular consequence: missense variant.
Genome position (GRCh38, 1-based): chr12:7,070,098, C>T. VCF-style: chr12-7070098-C-T. GRCh37 (hg19) VCF-style: chr12-7177402-C-T.
Other names: c.1013C>T, p.Pro338Leu (NM_001346850.2); c.1514C>T, p.Pro505Leu (NM_201442.4); short protein forms P338L, P505L.
Identifiers: ClinVar variation 2963387 (VCV002963387.3), dbSNP rs782317715, ClinGen allele CA6423803.